The following is an entry in ClinVar:

ClinVar aggregate classification (germline): Uncertain significance (1 of 4 stars; one submission).

Submission:

CeGaT Center for Human Genetics Tuebingen
Classification: Uncertain significance. Last evaluated: 2023-12-01. Review status: criteria provided, single submitter. Criteria: CeGaT Center For Human Genetics Tuebingen Variant Classification Criteria Version 2. Collection method: clinical testing. Allele origin: germline. Affected: yes. Observed: 1 variant allele.
Comment: KANK2: PM2

NM_001136191.3(KANK2):c.1774_1780dup (p.Leu594delinsProTer)

Gene: KANK2 (KN motif and ankyrin repeat domains 2; minus strand). Cytogenetic location: 19p13.2.
Variant type: Duplication.
Coding change: c.1774_1780dup on transcript NM_001136191.3 (MANE Select); coding-DNA positions 1774 to 1780, 7 bases duplicated (CCTGACC; older notation c.1774_1780dupCCTGACC).
Protein change: p.Leu594delinsProTer.
Molecular consequence: nonsense.
Genome position (GRCh38, 1-based): chr19:11,175,970-11,175,976, GGTCAGG duplicated on the plus strand (CCTGACC on the coding strand, the reverse complement: KANK2 is on the minus strand); duplicating any 7 consecutive bases within chr19:11,175,970-11,175,977 gives the same sequence; the c. name uses the placement nearest the transcript's 3' end. VCF-style (leftmost placement, unchanged base first): chr19-11175969-A-AGGTCAGG. GRCh37 (hg19) VCF-style: chr19-11286645-A-AGGTCAGG.
Other names: c.1798_1804dup, p.Leu602delinsProTer (NM_001379550.1, NM_001379551.1, NM_001379552.1 and 5 more transcripts); c.1774_1780dup, p.Leu594delinsProTer (NM_001379555.1, NM_001379556.1, NM_001379557.1 and 7 more transcripts).
Identifiers: ClinVar variation 3026555 (VCV003026555.22), dbSNP rs2512638177, ClinGen allele CA2582483969.
Genomic context (GRCh38, chr19:11,175,969, plus strand): 5'-CGCTCTGTGAGGGCGTTGGGATTGTCCAGGTACTTTTCCAGGGCCAAGCAGGCTGAGATG[A>AGGTCAGG]GGTCAGGGCTTAGCTCCATCCTGCCAGGAACAGACAAAGCGGGGAACTAAGTAAGCCCCG-3'